The following is an entry in ClinVar:

ClinVar aggregate classification (germline): Uncertain significance (1 of 4 stars; one submission).

gnomAD v4.1: 1 of 1,614,120 alleles (0.000062%); highest among the groups gnomAD compares: Non-Finnish European, 0.000085%; no homozygotes.

Submission:

GeneDx
Classification: Uncertain significance. Last evaluated: 2021-05-24. Review status: criteria provided, single submitter. Criteria: GeneDx Variant Classification Process June 2021. Collection method: clinical testing. Allele origin: germline. Affected: yes.
Comment: Not observed at significant frequency in large population cohorts (Lek et al., 2016); In silico analysis supports that this missense variant has a deleterious effect on protein structure/function; Has not been previously published as pathogenic or benign to our knowledge

NM_001376013.1(EPB41):c.427C>G (p.Pro143Ala)

Gene: EPB41 (erythrocyte membrane protein band 4.1; plus strand). Cytogenetic location: 1p35.3.
Variant type: single nucleotide variant.
Coding change: c.427C>G on transcript NM_001376013.1 (MANE Select); coding-DNA position 427, C replaced by G.
Protein change: p.Pro143Ala; replaces proline 143 with alanine.
Molecular consequence: missense variant. On other transcripts: 5 prime UTR variant (10).
Genome position (GRCh38, 1-based): chr1:28,987,864, C>G. VCF-style: chr1-28987864-C-G. GRCh37 (hg19) VCF-style: chr1-29314376-C-G.
Other names: c.427C>G, p.Pro143Ala (NM_001166005.2, NM_001166006.2, NM_001376014.1 and 8 more transcripts); c.-201C>G (NM_001166007.2, NM_001376022.1, NM_001376023.1 and 5 more transcripts); c.-281C>G (NM_004437.4, NM_203342.3); short protein forms P143A.
Identifiers: ClinVar variation 1326496 (VCV001326496.2), dbSNP rs2149522678, ClinGen allele CA339523499.